The following is an entry in ClinVar:

NM_001371279.1(REEP1):c.*94T>C

Gene: REEP1 (receptor accessory protein 1; minus strand). Cytogenetic location: 2p11.2.
Variant type: single nucleotide variant.
Coding change: c.*94T>C on transcript NM_001371279.1 (MANE Select); 94 bases downstream of the stop codon, T replaced by C.
Molecular consequence: 3 prime UTR variant.
Genome position (GRCh38, 1-based): chr2:86,216,945, A>G on the plus strand (T>C on the coding strand, the complement: REEP1 is on the minus strand). VCF-style: chr2-86216945-A-G. GRCh37 (hg19) VCF-style: chr2-86444068-A-G.
Other names: c.*155T>C (NM_001164730.2, NM_001164731.2, NM_022912.3); c.*94T>C (NM_001164732.2, NM_001371280.1).
Identifiers: ClinVar variation 337385 (VCV000337385.9), dbSNP rs141976852, ClinGen allele CA10614127.
Genomic context (GRCh38, chr2:86,216,945, plus strand): 5'-TCCTTAAAAGTGGAAGGGGAGAGAGAAAAGGCCATGTTTGTGAGGCTGCACACTCAAAGC[A>G]CACCCAGCTTGCGGATTTCTATGTTATTAGTGAATAGCTCTTTAAGGCAGAGAAGAAACA-3'

ClinVar aggregate classification (germline): Conflicting classifications of pathogenicity. Review status: criteria provided, conflicting classifications (1 of 4 stars). 3 submissions from 3 submitters: Uncertain significance (1); Benign (1); Likely benign (1). Last evaluated 2017-11-02.

Conditions:
Hereditary spastic paraplegia. Also called: Familial spastic paraparesis. Identifiers: Orphanet 685, MedGen C0037773, MONDO:0019064. Disease mechanism: loss of function.
Hereditary spastic paraplegia 31. Also called: SPASTIC PARAPLEGIA 31, AUTOSOMAL DOMINANT. Identifiers: Orphanet 101011, MedGen C1853247, MONDO:0012453, OMIM 610250.

Allele frequency attached by ClinVar (database versions not stated): 1000 Genomes Project 0.00719; 1000 Genomes Project 30x 0.00843; TOPMed 0.01985; gnomAD 0.02142 and 0.02270; gnomAD exomes 0.02803.
gnomAD v4.1: 27,412 of 1,019,268 alleles (2.7%); highest among the groups gnomAD compares: Non-Finnish European, 3.5%; 506 homozygotes.

Submissions (3):

Athena Diagnostics
Classification: Benign. Last evaluated: 2017-11-02. Review status: criteria provided, single submitter. Criteria: Athena Diagnostics Criteria. Collection method: clinical testing. Allele origin: germline.

Illumina Laboratory Services, Illumina
Classification: Likely benign for Hereditary spastic paraplegia 31. Last evaluated: 2017-04-27. Review status: criteria provided, single submitter. Criteria: ICSL Variant Classification Criteria 13 December 2019. Collection method: clinical testing. Allele origin: germline.
Comment: This variant was observed as part of a predisposition screen in an ostensibly healthy population. A literature search was performed for the gene, cDNA change, and amino acid change (where applicable). No publications were found based on this search. Allele frequency data from public databases allowed determination this variant is unlikely to cause disease. Therefore, this variant is classified as likely benign.

Genome Diagnostics Laboratory, The Hospital for Sick Children
Classification: Uncertain significance for Hereditary spastic paraplegia. Last evaluated: 2017-01-11. Review status: criteria provided, single submitter. Criteria: ACMG Guidelines, 2015. Collection method: clinical testing. Allele origin: germline. Affected: yes.

Literature cited by the submitters: PubMed 18644145 (cited by Athena Diagnostics).